The following is an entry in ClinVar:

ClinVar aggregate classification (germline): Likely pathogenic (1 of 4 stars; one submission).

Submission:

GeneDx
Classification: Likely pathogenic. Last evaluated: 2017-10-17. Review status: criteria provided, single submitter. Criteria: GeneDx Variant Classification (06012015). Collection method: clinical testing. Allele origin: germline. Affected: yes.
Comment: This deletion of seven nucleotides in MSH6 is denoted c.3134_3140delAGGACTG at the cDNA level and p.Lys1045SerfsX5 (K1045SfsX5) at the protein level. The normal sequence, with the bases that are deleted in brackets, is TACA[delAGGACTG]GCAG. The deletion causes a frameshift which changes a Lysine to a Serine at codon 1045, and creates a premature stop codon at position 5 of the new reading frame. Although this variant has not, to our knowledge, been reported in the literature, it is predicted to cause loss of normal protein function through either protein truncation or nonsense-mediated mRNA decay. Based on the currently available information, we consider this deletion to be a likely pathogenic variant.

NM_000179.3(MSH6):c.3134_3140del (p.Lys1045fs)

Gene: MSH6 (mutS homolog 6; plus strand). Cytogenetic location: 2p16.3.
Variant type: Deletion.
Coding change: c.3134_3140del on transcript NM_000179.3 (MANE Select); coding-DNA positions 3134 to 3140, 7 bases deleted (AGGACTG; older notation c.3134_3140delAGGACTG).
Protein change: p.Lys1045fs; shifts the reading frame from lysine 1045.
Molecular consequence: frameshift variant.
Genome position (GRCh38, 1-based): chr2:47,801,117-47,801,123, AGGACTG deleted. VCF-style (leftmost placement, unchanged base first): chr2-47801116-AAGGACTG-A. GRCh37 (hg19) VCF-style: chr2-48028255-AAGGACTG-A.
Other names: c.2744_2750del, p.Lys915fs (NM_001281492.2); c.2228_2234del, p.Lys743fs (NM_001281493.2, NM_001281494.2); c.3134_3140delAGGACTG (NM_000179.2); short protein forms K915fs, K1045fs, K743fs.
Identifiers: ClinVar variation 545828 (VCV000545828.2), dbSNP rs1553414544, ClinGen allele CA658822260.